The following is an entry in ClinVar:

ClinVar aggregate classification (germline): Benign (1 of 4 stars; one submission).

Conditions:
Familial cancer of breast. Also called: Hereditary breast cancer; BREAST CANCER, FAMILIAL; hereditary breast carcinoma. Identifiers: Orphanet 227535, MedGen C0346153, MONDO:0016419, OMIM 114480. Disease mechanism: loss of function.

gnomAD v4.1: 2 of 1,614,062 alleles (0.00012%); highest among the groups gnomAD compares: Non-Finnish European, 0.00017%; no homozygotes.

Submission:

Myriad Genetics, Inc.
Classification: Benign for Familial cancer of breast. Last evaluated: 2024-10-02. Review status: criteria provided, single submitter. Criteria: Myriad Autosomal Dominant, Autosomal Recessive and X-Linked Classification Criteria (2023). Collection method: clinical testing. Allele origin: unknown.
Comment: This variant is considered benign. This variant is a silent/synonymous amino acid change and it is not expected to impact splicing.

NM_007194.4(CHEK2):c.570A>C (p.Ala190=)

Gene: CHEK2 (checkpoint kinase 2; minus strand). Cytogenetic location: 22q12.1.
Variant type: single nucleotide variant.
Coding change: c.570A>C on transcript NM_007194.4 (MANE Select); coding-DNA position 570, A replaced by C.
Protein change: p.Ala190=; no amino-acid change (alanine 190 retained).
Molecular consequence: synonymous variant. On other transcripts: 5 prime UTR variant (2), intron variant (1).
Genome position (GRCh38, 1-based): chr22:28,724,999, T>G on the plus strand (A>C on the coding strand, the complement: CHEK2 is on the minus strand). VCF-style: chr22-28724999-T-G. GRCh37 (hg19) VCF-style: chr22-29120987-T-G.
Other names: c.699A>C, p.Ala233= (NM_001005735.3, NM_001438294.1); c.-208A>C (NM_001257387.3); c.-94A>C (NM_001437942.1); c.663A>C, p.Ala221= (NM_001438293.1, NM_001438295.1); c.570A>C, p.Ala190= (NM_145862.3); c.445-76A>C (NM_001349956.3).
Identifiers: ClinVar variation 3772842 (VCV003772842.1).